The following is an entry in ClinVar:

ClinVar aggregate classification (germline): Pathogenic (1 of 4 stars; one submission).

Conditions:
T-cell immunodeficiency, congenital alopecia, and nail dystrophy. Also called: Congenital alopecia and nail dystrophy associated with severe functional T-cell immunodeficiency; Pignata Guarino syndrome. Identifiers: Orphanet 169095, MedGen C1866426, MONDO:0011132, OMIM 601705.

Submission:

Labcorp Genetics (formerly Invitae), Labcorp
Classification: Pathogenic for T-cell immunodeficiency, congenital alopecia, and nail dystrophy. Last evaluated: 2020-07-13. Review status: criteria provided, single submitter. Criteria: Invitae Variant Classification Sherloc (09022015). Collection method: clinical testing. Allele origin: germline.
Comment: This sequence change results in a premature translational stop signal in the FOXN1 gene (p.Leu439Argfs*111). While this is not anticipated to result in nonsense mediated decay, it is expected to disrupt the last 210 amino acids of the FOXN1 protein. This variant is not present in population databases (ExAC no frequency). This variant has been observed in individual(s) with autosomal dominant FOXN1 haploinsufficiency (PMID: 31447097). This variant is also known as c.1316_1316delT in the literature. This variant disrupts the C-terminus of the FOXN1 protein. Other variant(s) that disrupt this region (p.Gln489Argfs*61) have been determined to be pathogenic (PMID: 31566583). This suggests that variants that disrupt this region of the protein are likely to be causative of disease. For these reasons, this variant has been classified as Pathogenic.

Literature cited by the submitters: PubMed 31447097; PubMed 31566583.

NM_001369369.1(FOXN1):c.1316del (p.Leu439fs)

Gene: FOXN1 (forkhead box N1; plus strand). Cytogenetic location: 17q11.2.
Variant type: Deletion.
Coding change: c.1316del on transcript NM_001369369.1 (MANE Select); coding-DNA position 1316, one base deleted (T; older notation c.1316delT).
Protein change: p.Leu439fs; shifts the reading frame from leucine 439.
Molecular consequence: frameshift variant.
Genome position (GRCh38, 1-based): chr17:28,534,887, T deleted. VCF-style (leftmost placement, unchanged base first): chr17-28534886-CT-C. GRCh37 (hg19) VCF-style: chr17-26861904-CT-C.
Other names: c.1316del, p.Leu439fs (NM_003593.3); short protein forms L439fs.
Identifiers: ClinVar variation 1074340 (VCV001074340.5), dbSNP rs2151498933, ClinGen allele CA2499223950.